The following is an entry in ClinVar:

NM_001379270.1(CNGA1):c.1336G>A (p.Glu446Lys)

Genes: CNGA1 (cyclic nucleotide gated channel subunit alpha 1; minus strand), LOC101927157 (uncharacterized LOC101927157; plus strand). Cytogenetic location: 4p12.
Variant type: single nucleotide variant.
Coding change: c.1336G>A on transcript NM_001379270.1 (MANE Select); coding-DNA position 1336, G replaced by A.
Protein change: p.Glu446Lys; replaces glutamic acid 446 with lysine.
Molecular consequence: missense variant.
Genome position (GRCh38, 1-based): chr4:47,937,146, C>T on the plus strand (G>A on the coding strand, the complement: CNGA1 is on the minus strand). VCF-style: chr4-47937146-C-T. GRCh37 (hg19) VCF-style: chr4-47939163-C-T.
Other names: c.1336G>A, p.Glu446Lys (NM_000087.5, NM_001142564.2); short protein forms E446K.
Identifiers: ClinVar variation 1377640 (VCV001377640.8), dbSNP rs2110128824, ClinGen allele CA356825994.

ClinVar aggregate classification (germline): Uncertain significance (1 of 4 stars; one submission).

Submission:

Labcorp Genetics (formerly Invitae), Labcorp
Classification: Uncertain significance. Last evaluated: 2021-03-09. Review status: criteria provided, single submitter. Criteria: Invitae Variant Classification Sherloc (09022015). Collection method: clinical testing. Allele origin: germline.
Comment: This sequence change replaces glutamic acid with lysine at codon 450 of the CNGA1 protein (p.Glu450Lys). The glutamic acid residue is highly conserved and there is a small physicochemical difference between glutamic acid and lysine. This variant is not present in population databases (ExAC no frequency). This variant has been observed in individual(s) with retinitis pigmentosa (Invitae). Algorithms developed to predict the effect of missense changes on protein structure and function are either unavailable or do not agree on the potential impact of this missense change (SIFT: "Deleterious"; PolyPhen-2: "Probably Damaging"; Align-GVGD: "Class C15"). In summary, the available evidence is currently insufficient to determine the role of this variant in disease. Therefore, it has been classified as a Variant of Uncertain Significance.